The following is an entry in ClinVar:

ClinVar aggregate classification (germline): Likely pathogenic (1 of 4 stars; one submission).

Submission:

GeneDx
Classification: Likely pathogenic. Last evaluated: 2014-09-09. Review status: criteria provided, single submitter. Criteria: GeneDx Variant Classification (06012015). Collection method: clinical testing. Allele origin: germline. Affected: yes.
Comment: c.592_594delACA: p.Thr198del (T198del) in exon 8 of the NDUFS1 gene (NM_005006.5). The normal sequence with the bases that are deleted in braces is: AACA{ACA}GGCA. The c.592_594delACA variant has not been published as a pathogenic, or reported as a benign polymorphism to our knowledge. The c.592_594delACA variant causes the loss of a single Threonine codon at position 198, denoted p.Thr198del. The Threonine at this position is conserved across species. Therefore, c.592_594delACA is a strong candidate for a pathogenic variant, however the possibility that it is a benign variant cannot be excluded.

NM_005006.7(NDUFS1):c.589ACA[1] (p.Thr198del)

Gene: NDUFS1 (NADH:ubiquinone oxidoreductase core subunit S1; minus strand). Cytogenetic location: 2q33.3.
Variant type: Microsatellite.
Coding change: c.589ACA[1] on transcript NM_005006.7 (MANE Select); one copy of the 3-base unit ACA starting at c.589; the reference has two copies in a row; one copy, 3 bases deleted.
Protein change: p.Thr198del; deletes threonine 198.
Molecular consequence: inframe deletion.
Genome position (GRCh38, 1-based): chr2:206,147,046-206,147,048, TGT deleted on the plus strand (ACA on the coding strand, the reverse complement: NDUFS1 is on the minus strand); deleting any 3 consecutive bases within chr2:206,147,046-206,147,052 gives the same sequence; the position shown is the placement nearest the transcript's 3' end. VCF-style (leftmost placement, unchanged base first): chr2-206147045-CTGT-C. GRCh37 (hg19) VCF-style: chr2-207011769-CTGT-C.
Other names: c.481ACA[1], p.Thr162del (NM_001199981.2); c.256ACA[1], p.Thr87del (NM_001199982.2); c.418ACA[1], p.Thr141del (NM_001199983.2); c.631ACA[1], p.Thr212del (NM_001199984.2); short protein forms T198del, T141del, T87del, T212del, T162del.
Identifiers: ClinVar variation 214779 (VCV000214779.2), dbSNP rs863224100, ClinGen allele CA324697.